The following is an entry in ClinVar:

NM_003442.6(ZNF143):c.1484G>A (p.Ser495Asn)

Gene: ZNF143 (zinc finger protein 143; plus strand). Cytogenetic location: 11p15.4.
Variant type: single nucleotide variant.
Coding change: c.1484G>A on transcript NM_003442.6 (MANE Select); coding-DNA position 1484, G replaced by A.
Protein change: p.Ser495Asn; replaces serine 495 with asparagine.
Molecular consequence: missense variant.
Genome position (GRCh38, 1-based): chr11:9,512,556, G>A. VCF-style: chr11-9512556-G-A. GRCh37 (hg19) VCF-style: chr11-9534103-G-A.
Other names: c.1484G>A (NM_003442.5); c.1481G>A, p.Ser494Asn (NM_001282656.2); c.1391G>A, p.Ser464Asn (NM_001282657.2); short protein forms S464N, S494N, S495N.
Identifiers: ClinVar variation 1588196 (VCV001588196.11), dbSNP rs148786361, ClinGen allele CA5879630.

ClinVar aggregate classification (germline): Benign. Review status: criteria provided, multiple submitters, no conflicts (2 of 4 stars). 3 submissions from 3 submitters: Benign (2). 1 of the submissions does not count toward it. Last evaluated 2026-01-23.

Conditions:
ZNF143-related disorder. Also called: ZNF143-related condition.

Allele frequency attached by ClinVar (database versions not stated): 1000 Genomes Project 30x 0.00312; 1000 Genomes Project 0.00339; ESP Exome Variant Server 0.00400; gnomAD 0.00401 and 0.00402; TOPMed 0.00402; gnomAD exomes 0.00554 and 0.00372; ExAC 0.00365.

Submissions (3):

Labcorp Genetics (formerly Invitae), Labcorp
Classification: Benign. Last evaluated: 2026-01-23. Review status: criteria provided, single submitter. Criteria: Invitae Variant Classification Sherloc (09022015). Collection method: clinical testing. Allele origin: germline.

Breakthrough Genomics
Classification: Benign. Review status: criteria provided, single submitter. Criteria: ACMG Guidelines, 2015. Collection method: not provided. Allele origin: germline. Inheritance: Unknown mechanism. Affected: yes.

PreventionGenetics, part of Exact Sciences
Classification: Likely benign for ZNF143-related condition. Last evaluated: 2019-12-03. Review status: no assertion criteria provided. Collection method: clinical testing. Allele origin: germline. Not counted in ClinVar's aggregate classification.
Comment: This variant is classified as likely benign based on ACMG/AMP sequence variant interpretation guidelines (Richards et al. 2015 PMID: 25741868, with internal and published modifications).